The following is an entry in ClinVar:

NM_033109.5(PNPT1):c.668A>G (p.Lys223Arg)

Gene: PNPT1 (polyribonucleotide nucleotidyltransferase 1; minus strand). Cytogenetic location: 2p16.1.
Variant type: single nucleotide variant.
Coding change: c.668A>G on transcript NM_033109.5 (MANE Select); coding-DNA position 668, A replaced by G.
Protein change: p.Lys223Arg; replaces lysine 223 with arginine.
Molecular consequence: missense variant.
Genome position (GRCh38, 1-based): chr2:55,679,693, T>C on the plus strand (A>G on the coding strand, the complement: PNPT1 is on the minus strand). VCF-style: chr2-55679693-T-C. GRCh37 (hg19) VCF-style: chr2-55906828-T-C.
Other names: short protein forms K223R.
Identifiers: ClinVar variation 1445768 (VCV001445768.8), dbSNP rs765303711, ClinGen allele CA1668384.

ClinVar aggregate classification (germline): Uncertain significance (1 of 4 stars; one submission).

Allele frequency attached by ClinVar (database versions not stated): gnomAD exomes below 0.00001; gnomAD 0.00001; ExAC 0.00002.
gnomAD v4.1: 3 of 1,605,652 alleles (0.00019%); highest among the groups gnomAD compares: South Asian, 0.0033%; no homozygotes.

Submission:

Labcorp Genetics (formerly Invitae), Labcorp
Classification: Uncertain significance. Last evaluated: 2023-08-04. Review status: criteria provided, single submitter. Criteria: Invitae Variant Classification Sherloc (09022015). Collection method: clinical testing. Allele origin: germline.
Comment: This sequence change replaces lysine, which is basic and polar, with arginine, which is basic and polar, at codon 223 of the PNPT1 protein (p.Lys223Arg). This variant is present in population databases (rs765303711, gnomAD 0.007%). This variant has not been reported in the literature in individuals affected with PNPT1-related conditions. ClinVar contains an entry for this variant (Variation ID: 1445768). Advanced modeling of protein sequence and biophysical properties (such as structural, functional, and spatial information, amino acid conservation, physicochemical variation, residue mobility, and thermodynamic stability) performed at Invitae indicates that this missense variant is not expected to disrupt PNPT1 protein function. In summary, the available evidence is currently insufficient to determine the role of this variant in disease. Therefore, it has been classified as a Variant of Uncertain Significance.